The following is an entry in ClinVar:

NM_000179.3(MSH6):c.3799_3800del (p.Met1267fs)

Gene: MSH6 (mutS homolog 6; plus strand). Cytogenetic location: 2p16.3.
Variant type: Microsatellite.
Coding change: c.3799_3800del on transcript NM_000179.3 (MANE Select); coding-DNA positions 3799 to 3800, 2 bases deleted (AT; older notation c.3799_3800delAT).
Protein change: p.Met1267fs; shifts the reading frame from methionine 1267.
Molecular consequence: frameshift variant.
Genome position (GRCh38, 1-based): chr2:47,806,356-47,806,357, AT deleted; deleting any 2 consecutive bases within chr2:47,806,354-47,806,357 gives the same sequence; the c. name uses the placement nearest the transcript's 3' end. VCF-style (leftmost placement, unchanged base first): chr2-47806353-CAT-C. GRCh37 (hg19) VCF-style: chr2-48033492-CAT-C.
Other names: c.3409_3410del, p.Met1137fs (NM_001281492.2); c.2893_2894del, p.Met965fs (NM_001281493.2, NM_001281494.2); c.3799_3800delAT (NM_000179.3, NM_000179.2); short protein forms M1267fs, M1137fs, M965fs.
Identifiers: ClinVar variation 89463 (VCV000089463.29), dbSNP rs267608114, ClinGen allele CA014328.

ClinVar aggregate classification (germline): Pathogenic. Review status: reviewed by expert panel (3 of 4 stars). 11 submissions from 11 submitters: Pathogenic (1). 10 of the submissions do not count toward it. Last evaluated 2013-09-05.

Conditions:
Lynch syndrome. Identifiers: Orphanet 144, MedGen C4552100, MONDO:0005835. Disease mechanism: loss of function.
Lynch syndrome 5 (LYNCH5). Also called: Colorectal cancer, hereditary nonpolyposis, type 5; Hereditary non-polyposis colorectal cancer, type 5. Identifiers: Orphanet 144, MedGen C1833477, MONDO:0013710, OMIM 614350. Disease mechanism: loss of function.
Hereditary nonpolyposis colon cancer (HNPCC). Also called: Hereditary nonpolyposis colorectal cancer; Familial nonpolyposis colon cancer; Hereditary Nonpolyposis Colorectal Cancer Syndrome. Identifiers: Orphanet 443909, MedGen C1333990, MONDO:0018630. Disease mechanism: loss of function.
Hereditary cancer-predisposing syndrome. Also called: Tumor predisposition; Hereditary Cancer Syndrome; Hereditary neoplastic syndrome; Neoplastic Syndromes, Hereditary. Identifiers: Orphanet 140162, MedGen C0027672, MeSH D009386, MONDO:0015356.
Hereditary nonpolyposis colorectal neoplasms. Identifiers: MedGen C0009405, MeSH D003123.
Endometrial carcinoma. Also called: Endometrial carcinoma, somatic. Identifiers: MedGen C0476089, MONDO:0002447, OMIM 608089, HP:0012114.

Submissions (11):

International Society for Gastrointestinal Hereditary Tumours (InSiGHT)
Classification: Pathogenic for Lynch Syndrome. Last evaluated: 2013-09-05. Review status: reviewed by expert panel. Criteria: Guidelines v1.9. Collection method: research. Allele origin: germline.
Comment: Coding sequence variation resulting in a stop codon

Classified with v1.9 guidelines

Labcorp Genetics (formerly Invitae), Labcorp
Classification: Pathogenic for Hereditary nonpolyposis colorectal neoplasms. Last evaluated: 2025-10-28. Review status: criteria provided, single submitter. Criteria: Invitae Variant Classification Sherloc (09022015). Collection method: clinical testing. Allele origin: germline. Not counted in ClinVar's aggregate classification.
Comment: This sequence change creates a premature translational stop signal (p.Met1267Glyfs*7) in the MSH6 gene. It is expected to result in an absent or disrupted protein product. Loss-of-function variants in MSH6 are known to be pathogenic (PMID: 18269114, 24362816). This variant is not present in population databases (gnomAD no frequency). This premature translational stop signal has been observed in individual(s) with clinical features of Lynch syndrome (PMID: 18566915, 21836479). Invitae Evidence Modeling of clinical and family history, age, sex, and reported ancestry of multiple individuals with this MSH6 variant has been performed. This variant is expected to be pathogenic with a positive predictive value of at least 99%. This is a validated machine learning model that incorporates the clinical features of 1,627,235 individuals referred to our laboratory for MSH6 testing. For these reasons, this variant has been classified as Pathogenic.

Ambry Genetics
Classification: Pathogenic for Hereditary cancer-predisposing syndrome. Last evaluated: 2025-05-20. Review status: criteria provided, single submitter. Criteria: Ambry Variant Classification Scheme 2023. Collection method: clinical testing. Allele origin: germline. Not counted in ClinVar's aggregate classification.
Comment: The c.3799_3800delAT pathogenic mutation, located in coding exon 8 of the MSH6 gene, results from a deletion of two nucleotides at nucleotide positions 3799 to 3800, causing a translational frameshift with a predicted alternate stop codon (p.M1267Gfs*7). This mutation has been detected in individuals with hereditary non-polyposis colorectal cancer (HNPCC)/Lynch syndrome, including an individual whose tumor demonstrated high microsatellite instability and loss of MSH6 by immunohistochemistry (IHC) (Nilbert M et al. Fam Cancer. 2009;8(1):75-83; Klarskov L et al. Am J Surg Pathol, 2011 Sep;35:1391-9). In addition to the clinical data presented in the literature, this alteration is expected to result in loss of function by premature protein truncation or nonsense-mediated mRNA decay. As such, this alteration is interpreted as a disease-causing mutation.

Center for Genomic Medicine, Rigshospitalet, Copenhagen University Hospital
Classification: Pathogenic. Last evaluated: 2025-03-04. Review status: criteria provided, single submitter. Criteria: ACMG Guidelines, 2015. Collection method: clinical testing. Allele origin: germline. Not counted in ClinVar's aggregate classification.

Department of Clinical Genetics, Copenhagen University Hospital, Rigshospitalet
Classification: Pathogenic for Lynch syndrome. Last evaluated: 2025-02-04. Review status: criteria provided, single submitter. Criteria: ACMG Guidelines, 2015. Collection method: clinical testing. Allele origin: germline. Not counted in ClinVar's aggregate classification.
Comment: PVS1; PM2_SUP; PP4

Women's Health and Genetics/Laboratory Corporation of America, LabCorp
Classification: Pathogenic for Hereditary nonpolyposis colon cancer. Last evaluated: 2023-12-21. Review status: criteria provided, single submitter. Criteria: LabCorp Variant Classification Summary - May 2015. Collection method: clinical testing. Allele origin: germline. Not counted in ClinVar's aggregate classification.
Comment: Variant summary: MSH6 c.3799_3800delAT (p.Met1267GlyfsX7) results in a premature termination codon, predicted to cause a truncation of the encoded protein or absence of the protein due to nonsense mediated decay, which are commonly known mechanisms for disease. Variants downstream of this position have been classified as pathogenic by our laboratory. Consensus agreement among computation tools predict no significant impact on normal splicing. However, these predictions have yet to be confirmed by functional studies. The variant was absent in 251216 control chromosomes (gnomAD). c.3799_3800delAT has been reported in the literature in at-least one individuals affected with Hereditary Nonpolyposis Colorectal Cancer (example: Nilbert_2009). The following publications have been ascertained in the context of this evaluation (PMID: , 18566915, 25255306). Four submitters have cited clinical-significance assessments for this variant to ClinVar after 2014. All submitters classified the variant as pathogenic. Based on the evidence outlined above, the variant was classified as pathogenic.

Myriad Genetics, Inc.
Classification: Pathogenic for Lynch syndrome 5. Last evaluated: 2023-08-25. Review status: criteria provided, single submitter. Criteria: Myriad Autosomal Dominant, Autosomal Recessive and X-Linked Classification Criteria (2023). Collection method: clinical testing. Allele origin: unknown. Not counted in ClinVar's aggregate classification.
Comment: This variant is considered pathogenic. This variant creates a frameshift predicted to result in premature protein truncation.

Baylor Genetics
Classification: Pathogenic for Endometrial carcinoma. Last evaluated: 2023-05-19. Review status: criteria provided, single submitter. Criteria: ACMG Guidelines, 2015. Collection method: clinical testing. Allele origin: unknown. Not counted in ClinVar's aggregate classification.

Quest Diagnostics Nichols Institute San Juan Capistrano
Classification: Pathogenic. Last evaluated: 2019-08-20. Review status: criteria provided, single submitter. Criteria: Quest Diagnostics criteria. Collection method: clinical testing. Allele origin: germline. Not counted in ClinVar's aggregate classification.
Comment: The variant results in a shift of the reading frame, and is therefore predicted to result in the loss of a functional protein. Found in at least one symptomatic patient, and not found in general population data.

GeneDx
Classification: Pathogenic. Last evaluated: 2017-06-02. Review status: criteria provided, single submitter. Criteria: GeneDx Variant Classification (06012015). Collection method: clinical testing. Allele origin: germline. Affected: yes. Not counted in ClinVar's aggregate classification.
Comment: This deletion of two nucleotides in MSH6 is denoted c.3799_3800delAT at the cDNA level and p.Met1267GlyfsX7 (M1267GfsX7) at the protein level. The normal sequence, with the bases that are deleted in brackets, is ACAT[delAT]GGTA. The deletion causes a frameshift which changes a Methionine to a Glycine at codon 1267, and creates a premature stop codon at position 7 of the new reading frame. This variant is predicted to cause loss of normal protein function through either protein truncation or nonsense-mediated mRNA decay. MSH6 c.3799_3800delAT has been reported in individuals with Lynch syndrome (Nilbert 2009, Klarskov 2011). We consider this variant to be pathogenic.

Mayo Clinic Laboratories, Mayo Clinic
Classification: Likely pathogenic. Review status: no assertion criteria provided. Collection method: research. Allele origin: unknown. Observed: 1 variant allele. Not counted in ClinVar's aggregate classification.

Literature cited by the submitters: PubMed 18269114 (cited by Labcorp Genetics (formerly Invitae), Labcorp); PubMed 24362816 (cited by Labcorp Genetics (formerly Invitae), Labcorp); PubMed 18566915 (cited by 5 submitters); PubMed 21836479 (cited by 4 submitters); PubMed 25255306 (cited by 3 submitters).